The following is an entry in ClinVar:

NM_001148.6(ANK2):c.8586T>A (p.Asp2862Glu)

Gene: ANK2 (ankyrin 2; plus strand). Cytogenetic location: 4q26.
Variant type: single nucleotide variant.
Coding change: c.8586T>A on transcript NM_001148.6 (MANE Select); coding-DNA position 8586, T replaced by A.
Protein change: p.Asp2862Glu; replaces aspartic acid 2862 with glutamic acid.
Molecular consequence: missense variant. On other transcripts: intron variant (68).
Genome position (GRCh38, 1-based): chr4:113,357,204, T>A. VCF-style: chr4-113357204-T-A. GRCh37 (hg19) VCF-style: chr4-114278360-T-A.
Other names: c.4127-3619T>A (NM_001354273.2); c.4427-3619T>A (NM_020977.5); c.4484-3619T>A (NM_001386152.1); c.4505-3619T>A (NM_001354237.2); c.4406-3619T>A (NM_001354230.2); c.4469-3619T>A (NM_001354231.2, NM_001354242.2); c.4472-3619T>A (NM_001386144.1, NM_001354240.2, NM_001354241.2); c.1991-3619T>A (NM_001354279.2, NM_001354282.2); and 35 more; short protein forms D1662E, D2784E, D2862E, D2901E, D2909E.
Identifiers: ClinVar variation 2578967 (VCV002578967.25), dbSNP rs771705361, ClinGen allele CA3051789.

ClinVar aggregate classification (germline): Likely benign (1 of 4 stars; one submission).

Allele frequency attached by ClinVar (database versions not stated): ExAC 0.00001.
gnomAD v4.1: 2 of 1,614,084 alleles (0.00012%); highest among the groups gnomAD compares: Non-Finnish European, 0.00017%; no homozygotes.

Submission:

CeGaT Center for Human Genetics Tuebingen
Classification: Likely benign. Last evaluated: 2023-08-01. Review status: criteria provided, single submitter. Criteria: CeGaT Center For Human Genetics Tuebingen Variant Classification Criteria Version 2. Collection method: clinical testing. Allele origin: germline. Affected: yes. Observed: 1 variant allele.
Comment: ANK2: BP4